The following is an entry in ClinVar:

ClinVar aggregate classification (germline): Uncertain significance (1 of 4 stars; one submission).

Conditions:
Early Myoclonic Encephalopathy. Identifiers: MedGen C0270855.

gnomAD v4.1: 1 of 1,614,118 alleles (0.000062%); highest among the groups gnomAD compares: Non-Finnish European, 0.000085%; no homozygotes.

Submission:

Labcorp Genetics (formerly Invitae), Labcorp
Classification: Uncertain significance for Early Myoclonic Encephalopathy. Last evaluated: 2022-10-24. Review status: criteria provided, single submitter. Criteria: Invitae Variant Classification Sherloc (09022015). Collection method: clinical testing. Allele origin: germline.
Comment: In summary, the available evidence is currently insufficient to determine the role of this variant in disease. Therefore, it has been classified as a Variant of Uncertain Significance. Advanced modeling of protein sequence and biophysical properties (such as structural, functional, and spatial information, amino acid conservation, physicochemical variation, residue mobility, and thermodynamic stability) performed at Invitae indicates that this missense variant is expected to disrupt JMJD1C protein function. This variant has not been reported in the literature in individuals affected with JMJD1C-related conditions. This variant is not present in population databases (gnomAD no frequency). This sequence change replaces threonine, which is neutral and polar, with proline, which is neutral and non-polar, at codon 1231 of the JMJD1C protein (p.Thr1231Pro).

NM_032776.3(JMJD1C):c.3691A>C (p.Thr1231Pro)

Gene: JMJD1C (jumonji domain containing 1C; minus strand). Cytogenetic location: 10q21.3.
Variant type: single nucleotide variant.
Coding change: c.3691A>C on transcript NM_032776.3 (MANE Select); coding-DNA position 3691, A replaced by C.
Protein change: p.Thr1231Pro; replaces threonine 1231 with proline.
Molecular consequence: missense variant. On other transcripts: non-coding transcript variant (1).
Genome position (GRCh38, 1-based): chr10:63,207,978, T>G on the plus strand (A>C on the coding strand, the complement: JMJD1C is on the minus strand). VCF-style: chr10-63207978-T-G. GRCh37 (hg19) VCF-style: chr10-64967738-T-G.
Other names: c.3145A>C, p.Thr1049Pro (NM_001282948.2, NM_001318154.2); c.2827A>C, p.Thr943Pro (NM_001318153.2); c.3577A>C, p.Thr1193Pro (NM_001322252.2); c.3034A>C, p.Thr1012Pro (NM_001322254.2, NM_001322258.2); short protein forms T1012P, T1049P, T1193P, T1231P, T943P.
Identifiers: ClinVar variation 1717590 (VCV001717590.5), dbSNP rs2492686529, ClinGen allele CA377040587.
Genomic context (GRCh38, chr10:63,207,978, plus strand): 5'-GAGGCTTCTGTGATTCTTGAACTTTACCACCAGCATTTACTGGCATCACCGGAGTTAAAG[T>G]TGGAGGGGAAAGACTACTATAGCTGCCTTCCTTTCTTTCCAGGCTGTGATGGATTGGTGG-3'
Protein context (NP_116165.1, residues 1221-1241): EGSYSSLSPP[Thr1231Pro]LTPVMPVNAG